The following is an entry in ClinVar:

NM_000384.3(APOB):c.2817-19T>G

Gene: APOB (apolipoprotein B; minus strand). Cytogenetic location: 2p24.1.
Variant type: single nucleotide variant.
Coding change: c.2817-19T>G on transcript NM_000384.3 (MANE Select); 19 bases into the intron before coding-DNA position 2817, T replaced by G.
Molecular consequence: intron variant.
Genome position (GRCh38, 1-based): chr2:21,019,924, A>C on the plus strand (T>G on the coding strand, the complement: APOB is on the minus strand). VCF-style: chr2-21019924-A-C. GRCh37 (hg19) VCF-style: chr2-21242796-A-C.
Identifiers: ClinVar variation 390496 (VCV000390496.17), dbSNP rs72653069, ClinGen allele CA057265.

ClinVar aggregate classification (germline): Benign/Likely benign. Review status: criteria provided, multiple submitters, no conflicts (2 of 4 stars). 8 submissions from 8 submitters: Benign (2); Likely benign (4). 2 of the submissions do not count toward it. Last evaluated 2026-02-03.

Conditions:
Familial hypobetalipoproteinemia 1. Also called: Hypobetalipoproteinemia, normotriglyceridemic; Acanthocytosis with hypobetalipoproteinemia; APOB-Related Familial Hypobetalipoproteinemia. Identifiers: MedGen C4551990, MONDO:0014252, OMIM 615558.
Hypercholesterolemia, autosomal dominant, type B (FHCL2). Also called: APOLIPOPROTEIN B-100, FAMILIAL DEFECTIVE; APOLIPOPROTEIN B-100, FAMILIAL LIGAND-DEFECTIVE; Familial Hypercholesterolemia Type B; Hyperlipoproteinemia Type IIb; Familial hypercholesterolemia 2; APOB-Related Familial Hypercholesterolemia, Autosomal Dominant. Identifiers: MedGen C1704417, MONDO:0007751, OMIM 144010.
Familial hypercholesterolemia. Also called: Familial hypercholesterolemias; Familial hypercholesterolaemia. Identifiers: MedGen C0020445, MONDO:0005439.

Allele frequency attached by ClinVar (database versions not stated): gnomAD 0.00025 and 0.00042; ESP Exome Variant Server 0.00031; TOPMed 0.00043; gnomAD exomes 0.00074 and 0.00131; ExAC 0.00135; 1000 Genomes Project 0.00200; 1000 Genomes Project 30x 0.00219.
gnomAD v4.1: 1,167 of 1,613,428 alleles (0.072%); highest among the groups gnomAD compares: Middle Eastern, 0.89%; 10 homozygotes.

Submissions (8):

Labcorp Genetics (formerly Invitae), Labcorp
Classification: Benign for Familial hypobetalipoproteinemia 1; Hypercholesterolemia, autosomal dominant, type B. Last evaluated: 2026-02-03. Review status: criteria provided, single submitter. Criteria: Invitae Variant Classification Sherloc (09022015). Collection method: clinical testing. Allele origin: germline.

Genomic Medicine Center of Excellence, King Faisal Specialist Hospital and Research Centre
Classification: Likely benign. Last evaluated: 2025-08-18. Review status: criteria provided, single submitter. Criteria: ACMG Guidelines, 2015. Collection method: clinical testing. Allele origin: germline.

Blueprint Genetics
Classification: Likely benign. Last evaluated: 2024-11-25. Review status: criteria provided, single submitter. Criteria: ACMG Guidelines, 2015. Collection method: clinical testing. Allele origin: germline.

GENinCode PLC
Classification: Benign for Familial hypercholesterolemia. Last evaluated: 2022-08-24. Review status: criteria provided, single submitter. Criteria: ACMG Guidelines, 2015. Collection method: clinical testing. Allele origin: germline.

GeneDx
Classification: Likely benign. Last evaluated: 2017-09-14. Review status: criteria provided, single submitter. Criteria: GeneDx Variant Classification (06012015). Collection method: clinical testing. Allele origin: germline. Affected: yes.
Comment: This variant is considered likely benign or benign based on one or more of the following criteria: it is a conservative change, it occurs at a poorly conserved position in the protein, it is predicted to be benign by multiple in silico algorithms, and/or has population frequency not consistent with disease.

Breakthrough Genomics
Classification: Likely benign. Review status: criteria provided, single submitter. Criteria: ACMG Guidelines, 2015. Collection method: not provided. Allele origin: germline. Inheritance: Autosomal recessive inheritance. Affected: yes.

Clinical Genetics, Academic Medical Center
Classification: Benign. Review status: no assertion criteria provided. Collection method: clinical testing. Allele origin: germline. Affected: yes. Study: VKGL Data-share Consensus. Not counted in ClinVar's aggregate classification.

Genome Diagnostics Laboratory, University Medical Center Utrecht
Classification: Likely benign. Review status: no assertion criteria provided. Collection method: clinical testing. Allele origin: germline. Affected: yes. Study: VKGL Data-share Consensus. Not counted in ClinVar's aggregate classification.